The following is an entry in ClinVar:

NM_000218.3(KCNQ1):c.1202G>C (p.Arg401Pro)

Gene: KCNQ1 (potassium voltage-gated channel subfamily Q member 1; plus strand). Cytogenetic location: 11p15.5.
Variant type: single nucleotide variant.
Coding change: c.1202G>C on transcript NM_000218.3 (MANE Select); coding-DNA position 1202, G replaced by C.
Protein change: p.Arg401Pro; replaces arginine 401 with proline.
Molecular consequence: missense variant.
Genome position (GRCh38, 1-based): chr11:2,587,643, G>C. VCF-style: chr11-2587643-G-C. GRCh37 (hg19) VCF-style: chr11-2608873-G-C.
Other names: c.1106G>C, p.Arg369Pro (NM_001406836.1); c.932G>C, p.Arg311Pro (NM_001406837.1); c.662G>C, p.Arg221Pro (NM_001406838.1); c.821G>C, p.Arg274Pro (NM_181798.2); short protein forms R274P, R369P, R401P, R311P, R221P.
Identifiers: ClinVar variation 2079921 (VCV002079921.6), dbSNP rs542628042, ClinGen allele CA379134781.

ClinVar aggregate classification (germline): Uncertain significance. Review status: criteria provided, multiple submitters, no conflicts (2 of 4 stars). 3 submissions from 3 submitters: Uncertain significance (3). Last evaluated 2025-02-12.

Conditions:
Cardiovascular phenotype. Identifiers: MedGen CN230736.
Long QT syndrome (LQTS). Identifiers: MedGen C0023976, MeSH D008133, MONDO:0002442. Disease mechanism: loss of function. Inheritance: Various modes of inheritance.

Submissions (3):

Ambry Genetics
Classification: Uncertain significance for Cardiovascular phenotype. Last evaluated: 2025-02-12. Review status: criteria provided, single submitter. Criteria: Ambry Variant Classification Scheme 2023. Collection method: clinical testing. Allele origin: germline.
Comment: The p.R401P variant (also known as c.1202G>C), located in coding exon 9 of the KCNQ1 gene, results from a G to C substitution at nucleotide position 1202. The arginine at codon 401 is replaced by proline, an amino acid with dissimilar properties. This amino acid position is well conserved in available vertebrate species. In addition, this alteration is predicted to be deleterious by in silico analysis. Based on the available evidence, the clinical significance of this variant remains unclear.

All of Us Research Program, National Institutes of Health
Classification: Uncertain significance for Long QT syndrome. Last evaluated: 2024-01-03. Review status: criteria provided, single submitter. Criteria: ACMG Guidelines, 2015. Collection method: clinical testing. Allele origin: germline. Inheritance: Autosomal dominant inheritance. Observed: 1 variant allele, 1 heterozygote.
Comment: This missense variant replaces arginine with proline at codon 401 of the KCNQ1 protein. Computational prediction is inconclusive regarding the impact of this variant on protein structure and function (internally defined REVEL score threshold 0.5 < inconclusive < 0.7, PMID: 27666373). To our knowledge, functional studies have not been reported for this variant. This variant has not been reported in individuals affected with KCNQ1-related disorders in the literature. This variant has not been identified in the general population by the Genome Aggregation Database (gnomAD). The available evidence is insufficient to determine the role of this variant in disease conclusively. Therefore, this variant is classified as a Variant of Uncertain Significance.

This study involves interpretation of variants in research participants for the purpose of population health screening. Participant phenotype was not available at the time of variant classification. Additional details can be found in publication PMID: 35346344, PMCID: PMC8962531

Labcorp Genetics (formerly Invitae), Labcorp
Classification: Uncertain significance for Long QT syndrome. Last evaluated: 2023-07-22. Review status: criteria provided, single submitter. Criteria: Invitae Variant Classification Sherloc (09022015). Collection method: clinical testing. Allele origin: germline.
Comment: This variant is not present in population databases (gnomAD no frequency). This variant has not been reported in the literature in individuals affected with KCNQ1-related conditions. ClinVar contains an entry for this variant (Variation ID: 2079921). Advanced modeling of protein sequence and biophysical properties (such as structural, functional, and spatial information, amino acid conservation, physicochemical variation, residue mobility, and thermodynamic stability) performed at Invitae indicates that this missense variant is not expected to disrupt KCNQ1 protein function. In summary, the available evidence is currently insufficient to determine the role of this variant in disease. Therefore, it has been classified as a Variant of Uncertain Significance. This sequence change replaces arginine, which is basic and polar, with proline, which is neutral and non-polar, at codon 401 of the KCNQ1 protein (p.Arg401Pro).